The following is an entry in ClinVar:

NM_000051.4(ATM):c.4526G>A (p.Cys1509Tyr)

Gene: ATM (ATM serine/threonine kinase; plus strand). Cytogenetic location: 11q22.3.
Variant type: single nucleotide variant.
Coding change: c.4526G>A on transcript NM_000051.4 (MANE Select); coding-DNA position 4526, G replaced by A.
Protein change: p.Cys1509Tyr; replaces cysteine 1509 with tyrosine.
Molecular consequence: missense variant.
Genome position (GRCh38, 1-based): chr11:108,292,708, G>A. VCF-style: chr11-108292708-G-A. GRCh37 (hg19) VCF-style: chr11-108163435-G-A.
Other names: c.4526G>A, p.Cys1509Tyr (NM_001351834.2); short protein forms C1509Y.
Identifiers: ClinVar variation 922710 (VCV000922710.9), dbSNP rs2082866294, ClinGen allele CA382533677.

ClinVar aggregate classification (germline): Uncertain significance. Review status: criteria provided, multiple submitters, no conflicts (2 of 4 stars). 3 submissions from 3 submitters: Uncertain significance (3). Last evaluated 2025-09-23.

Conditions:
Hereditary cancer-predisposing syndrome. Also called: Hereditary Cancer Syndrome; Hereditary neoplastic syndrome; Neoplastic Syndromes, Hereditary; Tumor predisposition. Identifiers: Orphanet 140162, MedGen C0027672, MeSH D009386, MONDO:0015356.
Ataxia-telangiectasia syndrome (AT). Also called: Ataxia-telangiectasia, complementation group E; LOUIS-BAR SYNDROME; Cerebello-oculocutaneous telangiectasia; Immunodeficiency with ataxia telangiectasia; Ataxia-telangiectasia, complementation group D; AT, COMPLEMENTATION GROUP C. Identifiers: Orphanet 100, MedGen C0004135, MONDO:0008840, OMIM 208900.

Submissions (3):

Ambry Genetics
Classification: Uncertain significance for Hereditary cancer-predisposing syndrome. Last evaluated: 2025-09-23. Review status: criteria provided, single submitter. Criteria: Ambry Variant Classification Scheme 2023. Collection method: clinical testing. Allele origin: germline.
Comment: The p.C1509Y variant (also known as c.4526G>A), located in coding exon 29 of the ATM gene, results from a G to A substitution at nucleotide position 4526. The cysteine at codon 1509 is replaced by tyrosine, an amino acid with highly dissimilar properties. In a study testing ATM protein function, this alteration showed a functionally normal read-out (Lee KS et al. Cell, 2025 Sep;188:5081-5099.e27). This amino acid position is highly conserved in available vertebrate species. In addition, this alteration is predicted to be deleterious by in silico analysis. Based on the available evidence, the clinical significance of this variant remains unclear.

Labcorp Genetics (formerly Invitae), Labcorp
Classification: Uncertain significance for Ataxia-telangiectasia syndrome. Last evaluated: 2022-12-04. Review status: criteria provided, single submitter. Criteria: Invitae Variant Classification Sherloc (09022015). Collection method: clinical testing. Allele origin: germline.
Comment: Algorithms developed to predict the effect of missense changes on protein structure and function are either unavailable or do not agree on the potential impact of this missense change (SIFT: "Deleterious"; PolyPhen-2: "Possibly Damaging"; Align-GVGD: "Class C15"). ClinVar contains an entry for this variant (Variation ID: 922710). This variant has not been reported in the literature in individuals affected with ATM-related conditions. This variant is not present in population databases (gnomAD no frequency). This sequence change replaces cysteine, which is neutral and slightly polar, with tyrosine, which is neutral and polar, at codon 1509 of the ATM protein (p.Cys1509Tyr). In summary, the available evidence is currently insufficient to determine the role of this variant in disease. Therefore, it has been classified as a Variant of Uncertain Significance.

Color Diagnostics, LLC DBA Color Health
Classification: Uncertain significance for Hereditary cancer-predisposing syndrome. Last evaluated: 2019-10-10. Review status: criteria provided, single submitter. Criteria: ACMG Guidelines, 2015. Collection method: clinical testing. Allele origin: germline.
Comment: This missense variant replaces cysteine with tyrosine at codon 1509 of the ATM protein. Computational prediction is inconclusive regarding the impact of this variant on protein structure and function (internally defined REVEL score threshold 0.5 < inconclusive < 0.7, PMID: 27666373). Splice site prediction tools suggest that this variant may not impact RNA splicing. To our knowledge, functional studies have not been performed for this variant. This variant has not been reported in individuals affected with hereditary cancer in the literature. This variant has not been identified in the general population by the Genome Aggregation Database (gnomAD). The available evidence is insufficient to determine the role of this variant in disease conclusively. Therefore, this variant is classified as a Variant of Uncertain Significance.

Literature cited by the submitters: PubMed 40580951 (cited by Ambry Genetics).